The following is an entry in ClinVar:

NM_001165963.4(SCN1A):c.4772A>T (p.Lys1591Ile)

Genes: SCN1A (sodium voltage-gated channel alpha subunit 1; minus strand), LOC102724058 (uncharacterized LOC102724058; plus strand). Cytogenetic location: 2q24.3.
Variant type: single nucleotide variant.
Coding change: c.4772A>T on transcript NM_001165963.4 (MANE Select); coding-DNA position 4772, A replaced by T.
Protein change: p.Lys1591Ile; replaces lysine 1591 with isoleucine.
Molecular consequence: missense variant. On other transcripts: non-coding transcript variant (1).
Genome position (GRCh38, 1-based): chr2:165,994,226, T>A on the plus strand (A>T on the coding strand, the complement: SCN1A is on the minus strand). VCF-style: chr2-165994226-T-A. GRCh37 (hg19) VCF-style: chr2-166850736-T-A.
Other names: c.4688A>T, p.Lys1563Ile (NM_001165964.3, NM_001353957.2, NM_001353958.2); c.4772A>T, p.Lys1591Ile (NM_001202435.3, NM_001353948.2); c.4739A>T, p.Lys1580Ile (NM_001353949.2, NM_001353950.2, NM_001353951.2 and 2 more transcripts); c.4736A>T, p.Lys1579Ile (NM_001353954.2, NM_001353955.2); c.4685A>T, p.Lys1562Ile (NM_001353960.2); c.2330A>T, p.Lys777Ile (NM_001353961.2); short protein forms K1580I, K1591I, K1562I, K777I, K1563I, K1579I.
Identifiers: ClinVar variation 931824 (VCV000931824.3), dbSNP rs1689685377, ClinGen allele CA349071598.

ClinVar aggregate classification (germline): Pathogenic (1 of 4 stars; one submission).

Conditions:
Migraine, familial hemiplegic, 3. Identifiers: Orphanet 569, MedGen C1864987, MONDO:0012320, OMIM 609634.

Submission:

Centre for Mendelian Genomics, University Medical Centre Ljubljana
Classification: Pathogenic for Migraine, familial hemiplegic, 3. Last evaluated: 2020-01-14. Review status: criteria provided, single submitter. Criteria: ACMG Guidelines, 2015. Collection method: clinical testing. Allele origin: unknown. Affected: yes.
Comment: This variant was classified as: Pathogenic. The following ACMG criteria were applied in classifying this variant: PS2,PM1,PM2,PP2,PP3.